The following is an entry in ClinVar:

ClinVar aggregate classification (germline): Uncertain significance. Review status: criteria provided, multiple submitters, no conflicts (2 of 4 stars). 2 submissions from 2 submitters: Uncertain significance (2). Last evaluated 2025-08-04.

Conditions:
Primary ciliary dyskinesia. Also called: Ciliary dyskinesia. Identifiers: Orphanet 244, MedGen C0008780, MONDO:0016575, HP:0012265.

Allele frequency attached by ClinVar (database versions not stated): gnomAD 0.00001; TOPMed 0.00001.
gnomAD v4.1: 77 of 1,590,764 alleles (0.0048%); highest among the groups gnomAD compares: Non-Finnish European, 0.0064%; no homozygotes.

Submissions (2):

Ambry Genetics
Classification: Uncertain significance for Primary ciliary dyskinesia. Last evaluated: 2025-08-04. Review status: criteria provided, single submitter. Criteria: Ambry Variant Classification Scheme 2023. Collection method: clinical testing. Allele origin: germline.

Labcorp Genetics (formerly Invitae), Labcorp
Classification: Uncertain significance for Primary ciliary dyskinesia. Last evaluated: 2022-05-31. Review status: criteria provided, single submitter. Criteria: Invitae Variant Classification Sherloc (09022015). Collection method: clinical testing. Allele origin: germline.
Comment: This sequence change replaces glutamic acid, which is acidic and polar, with aspartic acid, which is acidic and polar, at codon 453 of the DNAAF2 protein (p.Glu453Asp). The frequency data for this variant in the population databases is considered unreliable, as metrics indicate poor data quality at this position in the gnomAD database. This variant has not been reported in the literature in individuals affected with DNAAF2-related conditions. Algorithms developed to predict the effect of missense changes on protein structure and function (SIFT, PolyPhen-2, Align-GVGD) all suggest that this variant is likely to be tolerated. In summary, the available evidence is currently insufficient to determine the role of this variant in disease. Therefore, it has been classified as a Variant of Uncertain Significance.

NM_018139.3(DNAAF2):c.1359G>T (p.Glu453Asp)

Gene: DNAAF2 (dynein axonemal assembly factor 2; minus strand). Cytogenetic location: 14q21.3.
Variant type: single nucleotide variant.
Coding change: c.1359G>T on transcript NM_018139.3 (MANE Select); coding-DNA position 1359, G replaced by T.
Protein change: p.Glu453Asp; replaces glutamic acid 453 with aspartic acid.
Molecular consequence: missense variant. On other transcripts: 5 prime UTR variant (1).
Genome position (GRCh38, 1-based): chr14:49,633,791, C>A on the plus strand (G>T on the coding strand, the complement: DNAAF2 is on the minus strand). VCF-style: chr14-49633791-C-A. GRCh37 (hg19) VCF-style: chr14-50100509-C-A.
Other names: c.1359G>T, p.Glu453Asp (NM_001083908.2); c.-513G>T (NM_001378453.1); c.1359G>T (NM_018139.2); short protein forms E453D.
Identifiers: ClinVar variation 2150680 (VCV002150680.2), dbSNP rs765119356, ClinGen allele CA260668314.